The following is an entry in ClinVar:

ClinVar aggregate classification (germline): Uncertain significance (1 of 4 stars; one submission).

Submission:

Dasa
Classification: Uncertain significance. Last evaluated: 2026-04-28. Review status: criteria provided, single submitter. Criteria: DASA Assertion Criteria. Collection method: clinical testing. Allele origin: germline.
Comment: NM_022168.4(IFIH1):c.2454+3A>G is a splice-region variant. This variant is rare in population databases. Computational prediction algorithms are consistent with a deleterious effect. The currently available literature and clinical evidence are not sufficient to establish a definitive association between this variant and the reported condition. Therefore, this variant is classified as a variant of uncertain significance.

NM_022168.4(IFIH1):c.2454+3A>G

Gene: IFIH1 (interferon induced with helicase C domain 1; minus strand). Cytogenetic location: 2q24.2.
Variant type: single nucleotide variant.
Coding change: c.2454+3A>G on transcript NM_022168.4 (MANE Select); 3 bases into the intron after coding-DNA position 2454, A replaced by G.
Molecular consequence: intron variant.
Genome position (GRCh38, 1-based): chr2:162,273,792, T>C on the plus strand (A>G on the coding strand, the complement: IFIH1 is on the minus strand). VCF-style: chr2-162273792-T-C. GRCh37 (hg19) VCF-style: chr2-163130302-T-C.
Identifiers: ClinVar variation 4885373 (VCV004885373.2).